The following is an entry in ClinVar:

NM_006059.4(LAMC3):c.1414C>A (p.His472Asn)

Gene: LAMC3 (laminin subunit gamma 3; plus strand). Cytogenetic location: 9q34.12.
Variant type: single nucleotide variant.
Coding change: c.1414C>A on transcript NM_006059.4 (MANE Select); coding-DNA position 1414, C replaced by A.
Protein change: p.His472Asn; replaces histidine 472 with asparagine.
Molecular consequence: missense variant.
Genome position (GRCh38, 1-based): chr9:131,045,555, C>A. VCF-style: chr9-131045555-C-A. GRCh37 (hg19) VCF-style: chr9-133920942-C-A.
Other names: short protein forms H472N.
Identifiers: ClinVar variation 279831 (VCV000279831.31), dbSNP rs145387373, ClinGen allele CA5287087.

ClinVar aggregate classification (germline): Conflicting classifications of pathogenicity. Review status: criteria provided, conflicting classifications (1 of 4 stars). 5 submissions from 5 submitters: Uncertain significance (2); Likely benign (3). Last evaluated 2024-10-14.

Conditions:
Inborn genetic diseases. Identifiers: MedGen C0950123, MeSH D030342.

Allele frequency attached by ClinVar (database versions not stated): gnomAD 0.00001 and 0.00002; TOPMed 0.00003; gnomAD exomes 0.00006; ESP Exome Variant Server 0.00008.
gnomAD v4.1: 102 of 1,614,058 alleles (0.0063%); highest among the groups gnomAD compares: Middle Eastern, 0.36%; 1 homozygote.

Submissions (5):

Blueprint Genetics
Classification: Likely benign. Last evaluated: 2024-10-14. Review status: criteria provided, single submitter. Criteria: ACMG Guidelines, 2015. Collection method: clinical testing. Allele origin: germline.

Ambry Genetics
Classification: Uncertain significance for Inborn genetic diseases. Last evaluated: 2024-06-17. Review status: criteria provided, single submitter. Criteria: Ambry Variant Classification Scheme 2023. Collection method: clinical testing. Allele origin: germline.

Labcorp Genetics (formerly Invitae), Labcorp
Classification: Uncertain significance. Last evaluated: 2023-12-21. Review status: criteria provided, single submitter. Criteria: Invitae Variant Classification Sherloc (09022015). Collection method: clinical testing. Allele origin: germline.
Comment: This sequence change replaces histidine, which is basic and polar, with asparagine, which is neutral and polar, at codon 472 of the LAMC3 protein (p.His472Asn). This variant is present in population databases (rs145387373, gnomAD 0.01%). This variant has not been reported in the literature in individuals affected with LAMC3-related conditions. ClinVar contains an entry for this variant (Variation ID: 279831). An algorithm developed to predict the effect of missense changes on protein structure and function (PolyPhen-2) suggests that this variant is likely to be disruptive. In summary, the available evidence is currently insufficient to determine the role of this variant in disease. Therefore, it has been classified as a Variant of Uncertain Significance.

CeGaT Center for Human Genetics Tuebingen
Classification: Likely benign. Last evaluated: 2022-09-01. Review status: criteria provided, single submitter. Criteria: CeGaT Center For Human Genetics Tuebingen Variant Classification Criteria Version 2. Collection method: clinical testing. Allele origin: germline. Affected: yes. Observed: 1 variant allele.
Comment: LAMC3: BP4

GeneDx
Classification: Likely benign. Last evaluated: 2018-02-05. Review status: criteria provided, single submitter. Criteria: GeneDx Variant Classification (06012015). Collection method: clinical testing. Allele origin: germline. Affected: yes.
Comment: This variant is considered likely benign or benign based on one or more of the following criteria: it is a conservative change, it occurs at a poorly conserved position in the protein, it is predicted to be benign by multiple in silico algorithms, and/or has population frequency not consistent with disease.